The following is an entry in ClinVar:

NM_004523.4(KIF11):c.77+5G>C

Gene: KIF11 (kinesin family member 11; plus strand). Cytogenetic location: 10q23.33.
Variant type: single nucleotide variant.
Coding change: c.77+5G>C on transcript NM_004523.4 (MANE Select); 5 bases into the intron after coding-DNA position 77, G replaced by C.
Molecular consequence: intron variant.
Genome position (GRCh38, 1-based): chr10:92,593,457, G>C. VCF-style: chr10-92593457-G-C. GRCh37 (hg19) VCF-style: chr10-94353214-G-C.
Identifiers: ClinVar variation 726756 (VCV000726756.34), dbSNP rs200188195, ClinGen allele CA5603884.

ClinVar aggregate classification (germline): Benign/Likely benign. Review status: criteria provided, multiple submitters, no conflicts (2 of 4 stars). 8 submissions from 8 submitters: Benign (1); Likely benign (3). 4 of the submissions do not count toward it. Last evaluated 2026-08-01.

Conditions:
KIF11-related disorder. Also called: KIF11-related condition.
Decreased total neutrophil count. Also called: Neutropenia. Identifiers: MedGen C0853697, MONDO:0001475, HP:0001875.
Decreased total lymphocyte count. Also called: Lymphopenia. Identifiers: MedGen C0024312, MONDO:0003783, HP:0001888.

Allele frequency attached by ClinVar (database versions not stated): ESP Exome Variant Server 0.00031; gnomAD 0.00031 and 0.00042; TOPMed 0.00036; gnomAD exomes 0.00048 and 0.00072; 1000 Genomes Project 30x 0.00078; 1000 Genomes Project 0.00080; ExAC 0.00112.
gnomAD v4.1: 772 of 1,607,724 alleles (0.048%); highest among the groups gnomAD compares: Middle Eastern, 0.4%; 1 homozygote.

Submissions (10):

CeGaT Center for Human Genetics Tuebingen
Classification: Likely benign. Last evaluated: 2026-08-01. Review status: criteria provided, single submitter. Criteria: CeGaT Center For Human Genetics Tuebingen Variant Classification Criteria Version 2. Collection method: clinical testing. Allele origin: germline. Affected: yes. Observed: 6 variant alleles.
Comment: KIF11: BP4, BS1

Labcorp Genetics (formerly Invitae), Labcorp
Classification: Likely benign. Last evaluated: 2025-11-12. Review status: criteria provided, single submitter. Criteria: Invitae Variant Classification Sherloc (09022015). Collection method: clinical testing. Allele origin: germline.

Blueprint Genetics
Classification: Likely benign. Last evaluated: 2024-11-20. Review status: criteria provided, single submitter. Criteria: ACMG Guidelines, 2015. Collection method: clinical testing. Allele origin: germline.

Genetic Services Laboratory, University of Chicago
Classification: Benign. Last evaluated: 2017-09-28. Review status: criteria provided, single submitter. Criteria: ACMG Guidelines, 2015. Collection method: clinical testing. Allele origin: germline. Affected: no.

PreventionGenetics, part of Exact Sciences
Classification: Likely benign for KIF11-related condition. Last evaluated: 2019-05-22. Review status: no assertion criteria provided. Collection method: clinical testing. Allele origin: germline. Not counted in ClinVar's aggregate classification.
Comment: This variant is classified as likely benign based on ACMG/AMP sequence variant interpretation guidelines (Richards et al. 2015 PMID: 25741868, with internal and published modifications).

Clinical Genetics DNA and cytogenetics Diagnostics Lab, Erasmus MC, Erasmus Medical Center
Classification: Likely benign. Review status: no assertion criteria provided. Collection method: clinical testing. Allele origin: germline. Affected: yes. Study: VKGL Data-share Consensus. Not counted in ClinVar's aggregate classification.

Clinical Genetics, Academic Medical Center
Classification: Likely benign. Review status: no assertion criteria provided. Collection method: clinical testing. Allele origin: germline. Affected: yes. Study: VKGL Data-share Consensus. Not counted in ClinVar's aggregate classification.

Department of Biosciences, University of Milan
Classification: Likely benign for Decreased total neutrophil count; Decreased total lymphocyte count. Review status: no assertion criteria provided. Collection method: research. Allele origin: maternal. Affected: yes. Not counted in ClinVar's aggregate classification.

Dr. Peter K. Rogan Lab, Western University
No classification provided (evidence only). Condition: Ovarian serous cystadenocarcinoma. Review status: no classification provided. Collection method: in vitro. Allele origin: not applicable. Functional consequence: retained intron. Not counted in ClinVar's aggregate classification.

Dr. Peter K. Rogan Lab, Western University
No classification provided (evidence only). Condition: Gastric cancer. Review status: no classification provided. Collection method: in vitro. Allele origin: not applicable. Functional consequence: retained intron. Not counted in ClinVar's aggregate classification.